The following is an entry in ClinVar:

ClinVar aggregate classification (germline): Pathogenic/Likely pathogenic. Review status: criteria provided, multiple submitters, no conflicts (2 of 4 stars). 22 submissions from 22 submitters: Pathogenic (18); Likely pathogenic (2). 2 of the submissions do not count toward it. Last evaluated 2025-10-06.

Conditions:
RIT1-related disorder. Also called: RIT1-related condition.
Noonan syndrome (NS). Also called: Noonan's syndrome. Identifiers: Orphanet 648, MedGen C0028326, MeSH D009634, MONDO:0018997. Disease mechanism: gain of function.
Congenital heart disease (CHD). Identifiers: MedGen C0152021, MONDO:0005453. Disease mechanism: unknown.
Noonan syndrome and Noonan-related syndrome. Identifiers: Orphanet 98733, MedGen C5681679, MONDO:0020297.
Noonan syndrome 8 (NS8). Identifiers: Orphanet 648, MedGen C3809233, MONDO:0014143, OMIM 615355.
RASopathy. Also called: rasopathies; Noonan spectrum disorder. Identifiers: Orphanet 536391, MedGen C5555857, MONDO:0021060.
Non-immune hydrops fetalis (NIHF). Also called: Idiopathic hydrops fetalis; Familial non-immune hydrops fetalis; Fetal edema. Identifiers: Orphanet 363999, MedGen C0455988, MONDO:0009369, OMIM 236750, HP:0001790.

Submissions 1 to 8 of 22:

PreventionGenetics, part of Exact Sciences
Classification: Pathogenic for RIT1-related condition. Last evaluated: 2025-10-06. Review status: criteria provided, single submitter. Criteria: ACMG Guidelines, 2015. Collection method: clinical testing. Allele origin: germline.
Comment: The RIT1 c.297T>G variant is predicted to result in the amino acid substitution p.Phe99Leu. In an alternate transcript (NM_006912.5) this variant is referred to as c.246T>G (p.Phe82Leu). This variant has been reported in multiple individuals with Noonan syndrome, including several cases in which the variant was de novo (Bertola et al. 2014. PubMed ID: 25124994; Aoki et al. 2016. PubMed ID: 26446362; Joyce et al. 2016. PubMed ID: 26242988; Kouz et al. 2016. PubMed ID: 27101134; Yaoita et al. 2016. PubMed ID: 26714497). Additionally, other variants impacting the same amino acid (p.Phe82Val/Ile/Ser) have been reported in individuals with Noonan syndrome (Aoki et al. 2016. PubMed ID: 26446362; Cavé et al. 2016. PubMed ID: 26757980; Kouz et al. 2016. PubMed ID: 27101134; Yaoita et al. 2016. PubMed ID: 26714497). This variant has not been reported in a large population database (gnomAD, indicating this variant is rare. This variant is interpreted as pathogenic.

Variantyx, Inc.
Classification: Pathogenic for Noonan syndrome 8. Last evaluated: 2025-06-24. Review status: criteria provided, single submitter. Criteria: Variantyx Assertion Criteria 2022. Collection method: clinical testing. Allele origin: germline. Inheritance: Autosomal dominant inheritance. Affected: yes.
Comment: This is a nonsynonymous variant in the RIT1 gene (OMIM: 609591). Pathogenic variants in this gene have been associated with autosomal dominant Noonan syndrome 8. This variant likely occurred de novo in individuals reported in the published literature and previous internal cases; however, the possibility of parental germline mosaicism cannot be excluded (PMID: 23791108, 25124994, 26242988) (PS2). Functional studies have shown that this variant alters RIT1 protein function (PMID: 23791108) (PS3) and multiple computational algorithms predict a deleterious effect for this variant (REVEL score: 0.76) (PP3). This variant is absent from control populations (PM2). Based on the current evidence, this variant is classified as pathogenic for autosomal dominant Noonan syndrome 8.

Labcorp Genetics (formerly Invitae), Labcorp
Classification: Pathogenic for Noonan syndrome 8. Last evaluated: 2025-05-19. Review status: criteria provided, single submitter. Criteria: Invitae Variant Classification Sherloc (09022015). Collection method: clinical testing. Allele origin: germline.
Comment: This sequence change replaces phenylalanine, which is neutral and non-polar, with leucine, which is neutral and non-polar, at codon 82 of the RIT1 protein (p.Phe82Leu). This variant is not present in population databases (gnomAD no frequency). This missense change has been observed in individual(s) with Noonan syndrome (PMID: 23791108, 25124994, 26242988, 26714497, 26757980, 27101134). In at least one individual the variant was observed to be de novo. ClinVar contains an entry for this variant (Variation ID: 181522). Invitae Evidence Modeling incorporating data from in vitro experimental studies (internal data) indicates that this missense variant is expected to disrupt RIT1 function with a positive predictive value of 95%. Experimental studies have shown that this missense change affects RIT1 function (PMID: 23791108, 24469055, 26714497). This variant disrupts the p.Phe82 amino acid residue in RIT1. Other variant(s) that disrupt this residue have been determined to be pathogenic (PMID: 23791108, 25049390, 26446362, 26757980). This suggests that this residue is clinically significant, and that variants that disrupt this residue are likely to be disease-causing. For these reasons, this variant has been classified as Pathogenic.

CeGaT Center for Human Genetics Tuebingen
Classification: Pathogenic. Last evaluated: 2025-02-01. Review status: criteria provided, single submitter. Criteria: CeGaT Center For Human Genetics Tuebingen Variant Classification Criteria Version 2. Collection method: clinical testing. Allele origin: germline. Affected: yes. Observed: 2 variant alleles.
Comment: RIT1: PS2:Very Strong, PS1, PS4, PM1, PM2, PM5, PP3

Obstetrics Unit, Tongji Hospital, Huazhong University of Science and Technology
Classification: Pathogenic for Noonan syndrome 8. Last evaluated: 2024-12-25. Review status: criteria provided, single submitter. Criteria: ACMG Guidelines, 2015. Collection method: clinical testing. Allele origin: de novo. Affected: yes.
Comment: RIT1:NM_006912.6:exon5:c.246T>G:p.F82L variant: pathogenic (PM6_VeryStrong+PS1+PM1+PM2+PS4_Moderate+PP3+PS3_Supporting) Very strong evidence of pathogenicity PM6_VeryStrong: this variant is a de novo variant that has not been verified by biparental relatedness, and has been reported in the literature to be detected in a number of cases of Noonan.This variant has been detected as de novo in several patients with Noonan syndrome disease [PMID:23791108;25124994;26242988]; Strong pathogenicity evidence PS1: the variant shares amino acid changes with known variants[pmid:23791108;25124994;26242988;26714497;26757980;27101134]; Moderate pathogenicity evidence PM1: This variant occurs in the Small GTP-binding protein domain functional structural domain; Moderate pathogenicity evidence PM2: the variant was identified in the Human Exome Database (ExAC), Reference Population Thousand Genomes (1000G) and the Population Genome Mutation Frequency Database (gnomAD); Moderate evidence of pathogenicity PS4_Moderate: a total of multiple cases (6-14) of Noonan syndrome disease patients have been reported in the literature where this variant has been detected [PMID:23791108;25124994;26242988;26714497;26757980;27101134]; Supports evidence of pathogenicity PP3: Predicted by multiple statistical methods (REVEL), the results show that the variant causes deleterious effects on the gene or gene product; Supporting evidence of pathogenicity PS3_Supporting: literature reports that cellular experiments suggest that the variant causes impaired gene function [PMID:23791108;26714497;24469055]; This known variant is rated as P in the ClinVar database; this known variant is rated in the HGMD database as DM [PMID:30266093;26242988;25124994;24803665;23791108]. Phenotypic match between disease characteristics and this case: partial match Mutations in the gene RIT1 (OMIM:609591) cause the autosomal dominant disorder Noonan syndrome 8 (Noonan syndrome type 8) (OMIM:615355), as determined by searching public databases.The main manifestations of Noonan syndrome 8 (Noonan syndrome type 8) include: hydrops fetalis, medial canthus, palmar-plantar skin laxity, pleural effusion, short stature, relative macrosomia, ventricular septal defect, failure to thrive, wide eye spacing, skin pigmentation, arterial ductus arteriosus, pulmonary artery stenosis, intellectual disability, hyperextension of the skin, curly hair, downward-sloping blepharophimosis, amniotic fluid, short neck, hypertrophic cardiomyopathy, ptosis, sternal anomalies, left ventricular hypertrophy, cervical webbing, atrial septal defects, cryptorchidism, low-set ears Hyperkeratosis

Dubai Health Genomic Medicine Center, Dubai Health
Classification: Pathogenic for Noonan syndrome 8. Last evaluated: 2024-10-04. Review status: criteria provided, single submitter. Criteria: ACMG Guidelines, 2015. Collection method: research. Allele origin: germline. Affected: yes.
Comment: PS2_VeryStrong, PP4, PM2

Rady Children's Institute for Genomic Medicine, Rady Children's Hospital San Diego
Classification: Pathogenic for NOONAN SYNDROME 8. Last evaluated: 2024-01-15. Review status: criteria provided, single submitter. Criteria: ACMG Guidelines, 2015. Collection method: clinical testing. Allele origin: germline. Affected: yes.
Comment: This variant results in a c.246T>G (p.Phe82Leu) change in an alternate transcript (NM_006912.6). The c.297T>G (p.Phe99Leu) variant affects a highly conserved amino acid and is predicted by multiple in silico tools to have a deleterious effect on protein function. This is a known Pathogenic variant that has been previously reported as a de novo heterozygous change in patients with Noonan syndrome (PMID: 23791108, 26242988, 36304179, 36238151, 36274670). The c.297T>G (p.Phe99Leu) variant is located in the switch II domain, which is a known hotspot domain for pathogenic variations associated with Noonan syndrome (PMID: 30872527, 23791108). Different nucleotide changes resulting in the same amino acid change (c.244T>C and c.246T>A) have been previously reported in individuals with Noonan syndrome (PMID: 27699752; 35574990, 35627109, 33190430). Additionally, different amino acid changes at the same residue (p.Phe82Ser, p.Phe82Val, p.Phe82Cys, and p.Phe82Ile) have been previously reported in individuals with Noonan syndrome or related phenotypes (PMID: 27101134, 23791108, 25049390, 24939608, 34306696, 34184824). Experimental studies have demonstrated this variant has a gain-of-function effect on the variant protein (PMID: 23791108). The c.297T>G (p.Phe99Leu) variant is absent from the gnomAD population database and thus is presumed to be rare. Analysis of the parental samples was negative for the variant, indicating this variant likely occurred as a de novo event. Based on the available evidence, c.297T>G (p.Phe99Leu) is classified as Pathogenic.

Blueprint Genetics
Classification: Pathogenic for RIT1-related disorders. Last evaluated: 2023-12-21. Review status: criteria provided, single submitter. Criteria: ACMG Guidelines, 2015. Collection method: clinical testing. Allele origin: germline. Affected: yes. Observed: 5 variant alleles.

NM_006912.6(RIT1):c.246T>G (p.Phe82Leu)

Gene: RIT1 (Ras like without CAAX 1; minus strand). Cytogenetic location: 1q22.
Variant type: single nucleotide variant.
Coding change: c.246T>G on transcript NM_006912.6 (MANE Select); coding-DNA position 246, T replaced by G.
Protein change: p.Phe82Leu; replaces phenylalanine 82 with leucine.
Molecular consequence: missense variant.
Genome position (GRCh38, 1-based): chr1:155,904,494, A>C on the plus strand (T>G on the coding strand, the complement: RIT1 is on the minus strand). VCF-style: chr1-155904494-A-C. GRCh37 (hg19) VCF-style: chr1-155874285-A-C.
Other names: p.F82L:TTT>TTG; c.246T>G, p.Phe82Leu (LRG_1372t1); c.138T>G, p.Phe46Leu (NM_001256820.2); c.297T>G, p.Phe99Leu (NM_001256821.2); short protein forms F82L, F99L, F46L.
Identifiers: ClinVar variation 181522 (VCV000181522.85), dbSNP rs730881014, ClinGen allele CA297161.